The following is an entry in ClinVar:

ClinVar aggregate classification (germline): Uncertain significance (1 of 4 stars; one submission).

Submission:

Labcorp Genetics (formerly Invitae), Labcorp
Classification: Uncertain significance. Last evaluated: 2023-08-28. Review status: criteria provided, single submitter. Criteria: Invitae Variant Classification Sherloc (09022015). Collection method: clinical testing. Allele origin: germline.
Comment: This sequence change replaces proline, which is neutral and non-polar, with serine, which is neutral and polar, at codon 1536 of the SETBP1 protein (p.Pro1536Ser). This variant is not present in population databases (gnomAD no frequency). This variant has not been reported in the literature in individuals affected with SETBP1-related conditions. An algorithm developed to predict the effect of missense changes on protein structure and function (PolyPhen-2) suggests that this variant is likely to be disruptive. In summary, the available evidence is currently insufficient to determine the role of this variant in disease. Therefore, it has been classified as a Variant of Uncertain Significance.

NM_015559.3(SETBP1):c.4606C>T (p.Pro1536Ser)

Gene: SETBP1 (SET binding protein 1; plus strand). Cytogenetic location: 18q12.3.
Variant type: single nucleotide variant.
Coding change: c.4606C>T on transcript NM_015559.3 (MANE Select); coding-DNA position 4606, C replaced by T.
Protein change: p.Pro1536Ser; replaces proline 1536 with serine.
Molecular consequence: missense variant.
Genome position (GRCh38, 1-based): chr18:45,063,513, C>T. VCF-style: chr18-45063513-C-T. GRCh37 (hg19) VCF-style: chr18-42643478-C-T.
Other names: c.4606C>T, p.Pro1536Ser (NM_001379141.1, NM_001379142.1); c.4435C>T, p.Pro1479Ser (NM_001410862.1); short protein forms P1479S, P1536S.
Identifiers: ClinVar variation 2983924 (VCV002983924.3), dbSNP rs2511370395, ClinGen allele CA402483771.